The following is an entry in ClinVar:

NM_000458.4(HNF1B):c.660T>A (p.Asp220Glu)

Genes: HNF1B (HNF1 homeobox B; minus strand), LOC126862549 (BRD4-independent group 4 enhancer GRCh37_chr17:36093401-36094600; plus strand). Cytogenetic location: 17q12.
Variant type: single nucleotide variant.
Coding change: c.660T>A on transcript NM_000458.4 (MANE Select); coding-DNA position 660, T replaced by A.
Protein change: p.Asp220Glu; replaces aspartic acid 220 with glutamic acid.
Molecular consequence: missense variant.
Genome position (GRCh38, 1-based): chr17:37,733,706, A>T on the plus strand (T>A on the coding strand, the complement: HNF1B is on the minus strand). VCF-style: chr17-37733706-A-T. GRCh37 (hg19) VCF-style: chr17-36093699-A-T.
Other names: c.582T>A, p.Asp194Glu (NM_001165923.4, NM_001304286.2); c.660T>A, p.Asp220Glu (NM_001411100.1); c.660T>A (NM_000458.3); short protein forms D194E, D220E.
Identifiers: ClinVar variation 2073239 (VCV002073239.7), dbSNP rs779375959, ClinGen allele CA8519032.

ClinVar aggregate classification (germline): Conflicting classifications of pathogenicity. Review status: criteria provided, conflicting classifications (1 of 4 stars). 3 submissions from 3 submitters: Uncertain significance (1); Likely benign (1). 1 of the submissions does not count toward it. Last evaluated 2024-10-22.

Conditions:
HNF1B-related disorder. Also called: HNF1B-related condition; HNF1B-related disorders.

gnomAD v4.1: 7 of 1,614,222 alleles (0.00043%); highest among the groups gnomAD compares: Middle Eastern, 0.049%; no homozygotes.

Submissions (3):

Labcorp Genetics (formerly Invitae), Labcorp
Classification: Uncertain significance. Last evaluated: 2024-10-22. Review status: criteria provided, single submitter. Criteria: Invitae Variant Classification Sherloc (09022015). Collection method: clinical testing. Allele origin: germline.
Comment: This sequence change replaces aspartic acid, which is acidic and polar, with glutamic acid, which is acidic and polar, at codon 220 of the HNF1B protein (p.Asp220Glu). This variant is present in population databases (rs779375959, gnomAD 0.002%). This variant has not been reported in the literature in individuals affected with HNF1B-related conditions. ClinVar contains an entry for this variant (Variation ID: 2073239). An algorithm developed to predict the effect of missense changes on protein structure and function outputs the following: PolyPhen-2: "Benign". The glutamic acid amino acid residue is found in multiple mammalian species, which suggests that this missense change does not adversely affect protein function. In summary, the available evidence is currently insufficient to determine the role of this variant in disease. Therefore, it has been classified as a Variant of Uncertain Significance.

Blueprint Genetics
Classification: Likely benign. Last evaluated: 2018-09-21. Review status: criteria provided, single submitter. Criteria: ACMG Guidelines, 2015. Collection method: clinical testing. Allele origin: germline.

PreventionGenetics, part of Exact Sciences
Classification: Uncertain significance for HNF1B-related condition. Last evaluated: 2023-12-13. Review status: no assertion criteria provided. Collection method: clinical testing. Allele origin: germline. Not counted in ClinVar's aggregate classification.
Comment: The HNF1B c.660T>A variant is predicted to result in the amino acid substitution p.Asp220Glu. To our knowledge, this variant has not been reported in the literature. This variant is reported in 0.00088% of alleles in individuals of European (Non-Finnish) descent in gnomAD. At this time, the clinical significance of this variant is uncertain due to the absence of conclusive functional and genetic evidence.